The following is an entry in ClinVar:

ClinVar aggregate classification (germline): Uncertain significance (1 of 4 stars; one submission).

Conditions:
Cardiomyopathy, familial restrictive, 3. Identifiers: Orphanet 75249, MedGen C2676271, MONDO:0012900, OMIM 612422.
Dilated cardiomyopathy 1D. Identifiers: Orphanet 154, Orphanet 54260, MedGen C1832243, MONDO:0011095, OMIM 601494.
Hypertrophic cardiomyopathy 2. Also called: TNNT2-Related Familial Hypertrophic Cardiomyopathy. Identifiers: MedGen C1861864, MONDO:0007266, OMIM 115195.

Submission:

Labcorp Genetics (formerly Invitae), Labcorp
Classification: Uncertain significance for Familial restrictive cardiomyopathy 3; Familial hypertrophic cardiomyopathy 2; Left ventricular noncompaction 6. Last evaluated: 2019-03-07. Review status: criteria provided, single submitter. Criteria: Invitae Variant Classification Sherloc (09022015). Collection method: clinical testing. Allele origin: germline.
Comment: This variant, c.759_768delinsCTTGGGT, is a complex sequence change that results in the deletion of 4 and insertion of 3 amino acids of the TNNT2 protein (p.Lys253_Gln256delinsAsnLeuGly). This variant is not present in population databases (ExAC no frequency). This variant has not been reported in the literature in individuals with TNNT2-related conditions. Experimental studies and prediction algorithms are not available for this variant, and the functional significance of the affected amino acid(s) is currently unknown. Algorithms developed to predict the effect of sequence changes on RNA splicing suggest that this variant may create or strengthen a splice site, but this prediction has not been confirmed by published transcriptional studies. In summary, the available evidence is currently insufficient to determine the role of this variant in disease. Therefore, it has been classified as a Variant of Uncertain Significance.

NM_001276345.2(TNNT2):c.789_798delinsCTTGGGT (p.Lys263_Gln266delinsAsnLeuGly)

Gene: TNNT2 (troponin T2, cardiac type; minus strand). Cytogenetic location: 1q32.1.
Variant type: Indel.
Coding change: c.789_798delinsCTTGGGT on transcript NM_001276345.2 (MANE Select); coding-DNA positions 789 to 798, GTTCAAGCAG replaced by CTTGGGT.
Protein change: p.Lys263_Gln266delinsAsnLeuGly.
Molecular consequence: inframe indel.
Genome position (GRCh38, 1-based): chr1:201,361,291-201,361,300, CTGCTTGAAC replaced by ACCCAAG on the plus strand (GTTCAAGCAG replaced by CTTGGGT on the coding strand, the reverse complement: TNNT2 is on the minus strand). VCF-style: chr1-201361291-CTGCTTGAAC-ACCCAAG. GRCh37 (hg19) VCF-style: chr1-201330419-CTGCTTGAAC-ACCCAAG.
Other names: c.780_789delinsCTTGGGT, p.Lys260_Gln263delinsAsnLeuGly (NM_000364.4); c.759_768delinsCTTGGGT, p.Lys253_Gln256delinsAsnLeuGly (NM_001001430.3, NM_001276347.2); c.750_759delinsCTTGGGT, p.Lys250_Gln253delinsAsnLeuGly (NM_001001431.3); c.741_750delinsCTTGGGT, p.Lys247_Gln250delinsAsnLeuGly (NM_001001432.3); c.660_669delinsCTTGGGT, p.Lys220_Gln223delinsAsnLeuGly (NM_001276346.2).
Identifiers: ClinVar variation 857557 (VCV000857557.1), dbSNP rs1658576787, ClinGen allele CA916082105.
Genomic context (GRCh38, chr1:201,361,291, plus strand): 5'-GAGGAGTGTGAGATGGAGATGCTGGGCGGGGACAGCATGGCGGCCCACCTCATATTTCTG[CTGCTTGAAC>ACCCAAG]TTCTCCTGCAGGTCGAACTTCTCTGCCTCCAAGTTATAGATGCTCTGCCACAGCTCCTTG-3'